The following is an entry in ClinVar:

ClinVar aggregate classification (germline): Uncertain significance. Review status: criteria provided, multiple submitters, no conflicts (2 of 4 stars). 2 submissions from 2 submitters: Uncertain significance (2). Last evaluated 2025-04-19.

Conditions:
Inborn genetic diseases. Identifiers: MedGen C0950123, MeSH D030342.

gnomAD v4.1: 23 of 1,606,632 alleles (0.0014%); highest among the groups gnomAD compares: South Asian, 0.021%; 3 homozygotes.

Submissions (2):

Ambry Genetics
Classification: Uncertain significance for Inborn genetic diseases. Last evaluated: 2025-04-19. Review status: criteria provided, single submitter. Criteria: Ambry Variant Classification Scheme 2023. Collection method: clinical testing. Allele origin: germline.

Labcorp Genetics (formerly Invitae), Labcorp
Classification: Uncertain significance. Last evaluated: 2025-04-11. Review status: criteria provided, single submitter. Criteria: Invitae Variant Classification Sherloc (09022015). Collection method: clinical testing. Allele origin: germline.
Comment: This sequence change replaces glycine, which is neutral and non-polar, with arginine, which is basic and polar, at codon 527 of the ILDR1 protein (p.Gly527Arg). This variant is present in population databases (rs555873964, gnomAD 0.01%). This variant has not been reported in the literature in individuals affected with ILDR1-related conditions. An algorithm developed to predict the effect of missense changes on protein structure and function (PolyPhen-2) suggests that this variant is likely to be disruptive. In summary, the available evidence is currently insufficient to determine the role of this variant in disease. Therefore, it has been classified as a Variant of Uncertain Significance.

NM_001199799.2(ILDR1):c.1579G>A (p.Gly527Arg)

Gene: ILDR1 (immunoglobulin like domain containing receptor 1; minus strand). Cytogenetic location: 3q13.33.
Variant type: single nucleotide variant.
Coding change: c.1579G>A on transcript NM_001199799.2 (MANE Select); coding-DNA position 1579, G replaced by A.
Protein change: p.Gly527Arg; replaces glycine 527 with arginine.
Molecular consequence: missense variant.
Genome position (GRCh38, 1-based): chr3:121,993,170, C>T on the plus strand (G>A on the coding strand, the complement: ILDR1 is on the minus strand). VCF-style: chr3-121993170-C-T. GRCh37 (hg19) VCF-style: chr3-121712017-C-T.
Other names: c.1312G>A, p.Gly438Arg (NM_001199800.2); c.1447G>A, p.Gly483Arg (NM_175924.4); short protein forms G527R, G438R, G483R.
Identifiers: ClinVar variation 4038492 (VCV004038492.2).